The following is an entry in ClinVar:

ClinVar aggregate classification (germline): Uncertain significance (1 of 4 stars; one submission).

Allele frequency attached by ClinVar (database versions not stated): ExAC 0.00001; gnomAD 0.00001; gnomAD exomes 0.00001.
gnomAD v4.1: 21 of 1,608,148 alleles (0.0013%); highest among the groups gnomAD compares: Non-Finnish European, 0.0018%; no homozygotes.

Submission:

Labcorp Genetics (formerly Invitae), Labcorp
Classification: Uncertain significance. Last evaluated: 2022-09-21. Review status: criteria provided, single submitter. Criteria: Invitae Variant Classification Sherloc (09022015). Collection method: clinical testing. Allele origin: germline.
Comment: In summary, the available evidence is currently insufficient to determine the role of this variant in disease. Therefore, it has been classified as a Variant of Uncertain Significance. Variants that disrupt the consensus splice site are a relatively common cause of aberrant splicing (PMID: 17576681, 9536098). Algorithms developed to predict the effect of sequence changes on RNA splicing suggest that this variant is not likely to affect RNA splicing. This variant has not been reported in the literature in individuals affected with IL12RB2-related conditions. This variant is present in population databases (rs778634259, gnomAD 0.0009%). This sequence change falls in intron 13 of the IL12RB2 gene. It does not directly change the encoded amino acid sequence of the IL12RB2 protein. It affects a nucleotide within the consensus splice site.

Literature cited by the submitters: PubMed 17576681; PubMed 9536098.

NM_001374259.2(IL12RB2):c.1856-3C>T

Gene: IL12RB2 (interleukin 12 receptor subunit beta 2; plus strand). Cytogenetic location: 1p31.3.
Variant type: single nucleotide variant.
Coding change: c.1856-3C>T on transcript NM_001374259.2 (MANE Select); 3 bases into the intron before coding-DNA position 1856, C replaced by T.
Molecular consequence: intron variant.
Genome position (GRCh38, 1-based): chr1:67,386,576, C>T. VCF-style: chr1-67386576-C-T. GRCh37 (hg19) VCF-style: chr1-67852259-C-T.
Other names: c.1856-3C>T (NM_001258214.1, NM_001319233.1, NM_001559.3); c.1855+6453C>T (NM_001258216.1); c.1598-3C>T (NM_001258215.1).
Identifiers: ClinVar variation 1972046 (VCV001972046.5), dbSNP rs778634259, ClinGen allele CA900596.